The following is an entry in ClinVar:

ClinVar aggregate classification (germline): Uncertain significance (1 of 4 stars; one submission).

Conditions:
Cohen syndrome (COH1). Also called: Cutis verticis gyrata, retinitis pigmentosa, and sensorineural deafness; PEPPER SYNDROME. Identifiers: Orphanet 193, MedGen C0265223, MONDO:0008999, OMIM 216550.

gnomAD v4.1: 2 of 1,613,982 alleles (0.00012%); highest among the groups gnomAD compares: South Asian, 0.0022%; no homozygotes.

Submission:

Myriad Genetics, Inc.
Classification: Uncertain significance for Cohen syndrome. Last evaluated: 2026-07-09. Review status: criteria provided, single submitter. Criteria: Myriad Autosomal Dominant, Autosomal Recessive and X-Linked Classification Criteria (2023). Collection method: clinical testing. Allele origin: unknown.
Comment: NM_017890.4(VPS13B):c.4213A>G(T1405A) is a missense variant classified as a variant of uncertain significance in the context of Cohen syndrome. T1405A has not been observed in cases with relevant disease. Relevant functional assessments of this variant are not available in the literature. T1405A has not been observed in referenced population frequency databases. In summary, there is insufficient evidence to classify NM_017890.4(VPS13B):c.4213A>G(T1405A) as pathogenic or benign. Please note: this variant was assessed in the context of healthy population screening.

NM_017890.5(VPS13B):c.4213A>G (p.Thr1405Ala)

Gene: VPS13B (vacuolar protein sorting 13 homolog B; plus strand). Cytogenetic location: 8q22.2.
Variant type: single nucleotide variant.
Coding change: c.4213A>G on transcript NM_017890.5 (MANE Plus Clinical); coding-DNA position 4213, A replaced by G.
Protein change: p.Thr1405Ala; replaces threonine 1405 with alanine.
Molecular consequence: missense variant. On other transcripts: intron variant (1).
Genome position (GRCh38, 1-based): chr8:99,507,825, A>G. VCF-style: chr8-99507825-A-G. GRCh37 (hg19) VCF-style: chr8-100520053-A-G.
Other names: c.4224+622A>G (NM_152564.5); short protein forms T1405A.
Identifiers: ClinVar variation 5003458 (VCV005003458.1).